The following is an entry in ClinVar:

ClinVar aggregate classification (germline): Conflicting classifications of pathogenicity. Review status: criteria provided, conflicting classifications (1 of 4 stars). 12 submissions from 12 submitters: Uncertain significance (7); Likely benign (4). 1 of the submissions does not count toward it. Last evaluated 2026-09-21.

Conditions:
Hypertrophic cardiomyopathy 26. Also called: Cardiomyopathy, familial hypertrophic, 26. Identifiers: Orphanet 75249, MedGen C4310749, MONDO:0014883, OMIM 617047.
Myofibrillar myopathy 5. Also called: Filaminopathy (type); FILAMINOPATHY, AUTOSOMAL DOMINANT. Identifiers: Orphanet 171445, MedGen C1836050, MONDO:0012289, OMIM 609524.
Distal myopathy with posterior leg and anterior hand involvement. Also called: WILLIAMS DISTAL MYOPATHY. Identifiers: Orphanet 63273, MedGen C3279722, MONDO:0013550, OMIM 614065.
FLNC-related disorder. Also called: FLNC-related condition; FLNC-related disorders.
Cardiovascular phenotype. Identifiers: MedGen CN230736.
Distal myopathy. Identifiers: Orphanet 599, MedGen C0751336, MONDO:0018949.
Myofibrillar myopathy. Identifiers: Orphanet 593, MedGen C2678065, MONDO:0018943, HP:0003715.
Cardiomyopathy (CMYO). Also called: Cardiomyopathies. Identifiers: Orphanet 167848, MedGen C0878544, MONDO:0004994, HP:0001638. Inheritance: Various modes of inheritance.

Allele frequency attached by ClinVar (database versions not stated): ExAC 0.00005; gnomAD 0.00006; gnomAD exomes 0.00006 and 0.00010; TOPMed 0.00013; ESP Exome Variant Server 0.00024.

Submissions (12):

Molecular Diagnostic Laboratory for Inherited Cardiovascular Disease, Montreal Heart Institute
Classification: Likely benign. Last evaluated: 2026-09-21. Review status: criteria provided, single submitter. Criteria: ACMG Guidelines, 2015. Collection method: clinical testing. Allele origin: germline. Affected: no.
Comment: BS1; BS4_supp

Labcorp Genetics (formerly Invitae), Labcorp
Classification: Likely benign for Distal myopathy with posterior leg and anterior hand involvement; Myofibrillar myopathy 5; Hypertrophic cardiomyopathy 26. Last evaluated: 2025-12-24. Review status: criteria provided, single submitter. Criteria: Invitae Variant Classification Sherloc (09022015). Collection method: clinical testing. Allele origin: germline.

Women's Health and Genetics/Laboratory Corporation of America, LabCorp
Classification: Likely benign. Last evaluated: 2025-07-07. Review status: criteria provided, single submitter. Criteria: LabCorp Variant Classification Summary - May 2015. Collection method: clinical testing. Allele origin: germline.
Comment: Variant summary: FLNC c.7090C>T (p.Arg2364Cys) results in a non-conservative amino acid change located in the Filamin/ABP280 repeat (IPR001298) of the encoded protein sequence. Algorithms developed to predict the effect of missense changes on protein structure and function all suggest that this variant is likely to be disruptive. The variant allele was found at a frequency of 6.4e-05 in 249450 control chromosomes. The observed variant frequency is approximately 6-fold of the estimated maximal expected allele frequency for a pathogenic variant in FLNC causing Cardiomyopathy phenotype (1.1e-05). To our knowledge, no occurrence of c.7090C>T in individuals affected with Cardiomyopathy and no experimental evidence demonstrating its impact on protein function have been reported. ClinVar contains an entry for this variant (Variation ID: 664067). Based on the evidence outlined above, the variant was classified as likely benign.

Ambry Genetics
Classification: Uncertain significance for Cardiovascular phenotype. Last evaluated: 2024-09-30. Review status: criteria provided, single submitter. Criteria: Ambry Variant Classification Scheme 2023. Collection method: clinical testing. Allele origin: germline.
Comment: The p.R2364C variant (also known as c.7090C>T), located in coding exon 42 of the FLNC gene, results from a C to T substitution at nucleotide position 7090. The arginine at codon 2364 is replaced by cysteine, an amino acid with highly dissimilar properties. This amino acid position is highly conserved in available vertebrate species. In addition, the in silico prediction for this alteration is inconclusive. Since supporting evidence is limited at this time, the clinical significance of this alteration remains unclear.

Blueprint Genetics
Classification: Likely benign. Last evaluated: 2024-09-19. Review status: criteria provided, single submitter. Criteria: ACMG Guidelines, 2015. Collection method: clinical testing. Allele origin: germline.

Mayo Clinic Laboratories, Mayo Clinic
Classification: Uncertain significance. Last evaluated: 2024-08-27. Review status: criteria provided, single submitter. Criteria: ACMG Guidelines, 2015. Collection method: clinical testing. Allele origin: germline. Observed: 1 variant allele.

GeneDx
Classification: Uncertain significance. Last evaluated: 2024-01-30. Review status: criteria provided, single submitter. Criteria: GeneDx Variant Classification Process June 2021. Collection method: clinical testing. Allele origin: germline. Affected: yes.
Comment: Has not been previously published as pathogenic or benign to our knowledge; In silico analysis supports that this missense variant has a deleterious effect on protein structure/function; This variant is associated with the following publications: (PMID: 25617006)

CeGaT Center for Human Genetics Tuebingen
Classification: Uncertain significance. Last evaluated: 2023-12-01. Review status: criteria provided, single submitter. Criteria: CeGaT Center For Human Genetics Tuebingen Variant Classification Criteria Version 2. Collection method: clinical testing. Allele origin: germline. Affected: yes. Observed: 1 variant allele.

PreventionGenetics, part of Exact Sciences
Classification: Uncertain significance for FLNC-related condition. Last evaluated: 2022-11-10. Review status: criteria provided, single submitter. Criteria: ACMG Guidelines, 2015. Collection method: clinical testing. Allele origin: germline.
Comment: The FLNC c.7090C>T variant is predicted to result in the amino acid substitution p.Arg2364Cys. To our knowledge, this variant has not been reported in the literature. This variant is reported in 0.012% of alleles in individuals of African descent in gnomAD. A different nucleotide substitution affecting the same amino acid (p.Arg2364His) has been reported in an individual with myofibrillar myopathy (described as R2331H, Weihl et al. 2015. PubMed ID: 25617006). Although we suspect that the c.7090C>T (p.Arg2364Cys) variant may be benign, at this time, the clinical significance of this variant is uncertain due to the absence of conclusive functional and genetic evidence.

Fulgent Genetics
Classification: Uncertain significance for Myofibrillar myopathy 5; Distal myopathy with posterior leg and anterior hand involvement; Hypertrophic cardiomyopathy 26. Last evaluated: 2021-08-18. Review status: criteria provided, single submitter. Criteria: ACMG Guidelines, 2015. Collection method: clinical testing. Allele origin: unknown.

Revvity Omics, Revvity
Classification: Uncertain significance. Last evaluated: 2021-05-18. Review status: criteria provided, single submitter. Criteria: ACMG Guidelines, 2015. Collection method: clinical testing. Allele origin: germline.

Department of Pathology and Laboratory Medicine, Sinai Health System
Classification: Uncertain significance. Review status: no assertion criteria provided. Collection method: clinical testing. Allele origin: unknown. Affected: yes. Study: The Canadian Open Genetics Repository (COGR). Not counted in ClinVar's aggregate classification.
Comment: The FLNC p.Arg2331Cys variant was identified in dbSNP (ID: rs374973240) and in ClinVar (classified as uncertain significance by Invitae) but was not identified in the literature or in LOVD 3.0. The variant was identified in control databases in 19 of 280826 chromosomes at a frequency of 0.000068 (Genome Aggregation Database March 6, 2019, v2.1.1). The variant was observed in the following populations: African in 3 of 24190 chromosomes (freq: 0.000124), European (non-Finnish) in 15 of 128596 chromosomes (freq: 0.000117) and East Asian in 1 of 19536 chromosomes (freq: 0.000051), but was not observed in the Latino, Ashkenazi Jewish, European (Finnish), South Asian or Other populations. The p.Arg2331 residue is conserved in across mammals and other organisms and computational analyses (PolyPhen-2, SIFT, AlignGVGD, BLOSUM, MutationTaster) suggest a high likelihood of impact to the protein; however, this information is not predictive enough to assume pathogenicity. The variant occurs outside of the splicing consensus sequence and in silico or computational prediction software programs (SpliceSiteFinder, MaxEntScan, NNSPLICE, GeneSplicer) do not predict a difference in splicing. In summary, based on the above information the clinical significance of this variant cannot be determined with certainty at this time. This variant is classified as a variant of uncertain significance.

Literature cited by the submitters: PubMed 25617006 (cited by Ambry Genetics and Mayo Clinic Laboratories, Mayo Clinic).

NM_001458.5(FLNC):c.7090C>T (p.Arg2364Cys)

Genes: FLNC (filamin C; plus strand), FLNC-AS1 (FLNC antisense RNA 1; minus strand). Cytogenetic location: 7q32.1.
Variant type: single nucleotide variant.
Coding change: c.7090C>T on transcript NM_001458.5 (MANE Select); coding-DNA position 7090, C replaced by T.
Protein change: p.Arg2364Cys; replaces arginine 2364 with cysteine.
Molecular consequence: missense variant.
Genome position (GRCh38, 1-based): chr7:128,854,867, C>T. VCF-style: chr7-128854867-C-T. GRCh37 (hg19) VCF-style: chr7-128494921-C-T.
Other names: p.Arg2364Cys; c.6991C>T, p.Arg2331Cys (NM_001127487.2); short protein forms R2364C, R2331C.
Identifiers: ClinVar variation 664067 (VCV000664067.48), dbSNP rs374973240, ClinGen allele CA4476154.